The following is an entry in ClinVar:

ClinVar aggregate classification (germline): Uncertain significance (1 of 4 stars; one submission).

Submission:

Ambry Genetics
Classification: Uncertain significance. Last evaluated: 2025-02-19. Review status: criteria provided, single submitter. Criteria: Ambry Variant Classification Scheme 2023. Collection method: clinical testing. Allele origin: germline.
Comment: The p.G174R variant (also known as c.520G>C), located in coding exon 5 of the SRP72 gene, results from a G to C substitution at nucleotide position 520. The glycine at codon 174 is replaced by arginine, an amino acid with dissimilar properties. This amino acid position is conserved. In addition, this alteration is predicted to be tolerated by in silico analysis. Based on the available evidence, the clinical significance of this variant remains unclear.

NM_006947.4(SRP72):c.520G>C (p.Gly174Arg)

Gene: SRP72 (signal recognition particle 72; plus strand). Cytogenetic location: 4q12.
Variant type: single nucleotide variant.
Coding change: c.520G>C on transcript NM_006947.4 (MANE Select); coding-DNA position 520, G replaced by C.
Protein change: p.Gly174Arg; replaces glycine 174 with arginine.
Molecular consequence: missense variant. On other transcripts: non-coding transcript variant (1).
Genome position (GRCh38, 1-based): chr4:56,474,301, G>C. VCF-style: chr4-56474301-G-C. GRCh37 (hg19) VCF-style: chr4-57340467-G-C.
Other names: c.520G>C, p.Gly174Arg (NM_001267722.2); short protein forms G174R.
Identifiers: ClinVar variation 3801496 (VCV003801496.1).